The following is an entry in ClinVar:

NM_006766.5(KAT6A):c.5474CTC[1] (p.Pro1826del)

Gene: KAT6A (lysine acetyltransferase 6A; minus strand). Cytogenetic location: 8p11.21.
Variant type: Microsatellite.
Coding change: c.5474CTC[1] on transcript NM_006766.5 (MANE Select); one copy of the 3-base unit CTC starting at c.5474; the reference has two copies in a row; one copy, 3 bases deleted.
Protein change: p.Pro1826del; deletes proline 1826.
Molecular consequence: inframe deletion.
Genome position (GRCh38, 1-based): chr8:41,932,741-41,932,743, GAG deleted on the plus strand (CTC on the coding strand, the reverse complement: KAT6A is on the minus strand); deleting any 3 consecutive bases within chr8:41,932,741-41,932,746 gives the same sequence; the position shown is the placement nearest the transcript's 3' end. VCF-style (leftmost placement, unchanged base first): chr8-41932740-AGAG-A. GRCh37 (hg19) VCF-style: chr8-41790258-AGAG-A.
Other names: short protein forms P1826del.
Identifiers: ClinVar variation 2104503 (VCV002104503.4), dbSNP rs1301336726, ClinGen allele CA581928323.

ClinVar aggregate classification (germline): Uncertain significance (1 of 4 stars; one submission).

Submission:

Labcorp Genetics (formerly Invitae), Labcorp
Classification: Uncertain significance. Last evaluated: 2022-08-19. Review status: criteria provided, single submitter. Criteria: Invitae Variant Classification Sherloc (09022015). Collection method: clinical testing. Allele origin: germline.
Comment: In summary, the available evidence is currently insufficient to determine the role of this variant in disease. Therefore, it has been classified as a Variant of Uncertain Significance. Experimental studies and prediction algorithms are not available or were not evaluated, and the functional significance of this variant is currently unknown. This variant has not been reported in the literature in individuals affected with KAT6A-related conditions. This variant is present in population databases (no rsID available, gnomAD 0.01%). This variant, c.5477_5479del, results in the deletion of 1 amino acid(s) of the KAT6A protein (p.Pro1826del), but otherwise preserves the integrity of the reading frame.